The following is an entry in ClinVar:

ClinVar aggregate classification (germline): Uncertain significance. Review status: criteria provided, multiple submitters, no conflicts (2 of 4 stars). 2 submissions from 2 submitters: Uncertain significance (2). Last evaluated 2025-08-22.

Conditions:
Brugada syndrome 8 (BRGDA8). Identifiers: Orphanet 130, MedGen C2751083, MONDO:0013148, OMIM 613123.
Cardiovascular phenotype. Identifiers: MedGen CN230736.

Allele frequency attached by ClinVar (database versions not stated): gnomAD 0.00001; TOPMed 0.00002.
gnomAD v4.1: 1 of 1,525,082 alleles (0.000066%); highest among the groups gnomAD compares: African/African-American, 0.0014%; no homozygotes.

Submissions (2):

Labcorp Genetics (formerly Invitae), Labcorp
Classification: Uncertain significance for Brugada syndrome 8. Last evaluated: 2025-08-22. Review status: criteria provided, single submitter. Criteria: Invitae Variant Classification Sherloc (09022015). Collection method: clinical testing. Allele origin: germline.
Comment: This sequence change replaces glycine, which is neutral and non-polar, with arginine, which is basic and polar, at codon 951 of the HCN4 protein (p.Gly951Arg). This variant is not present in population databases (gnomAD no frequency). This variant has not been reported in the literature in individuals affected with HCN4-related conditions. ClinVar contains an entry for this variant (Variation ID: 2153105). Invitae Evidence Modeling of protein sequence and biophysical properties (such as structural, functional, and spatial information, amino acid conservation, physicochemical variation, residue mobility, and thermodynamic stability) indicates that this missense variant is not expected to disrupt HCN4 protein function with a negative predictive value of 95%. In summary, the available evidence is currently insufficient to determine the role of this variant in disease. Therefore, it has been classified as a Variant of Uncertain Significance.

Ambry Genetics
Classification: Uncertain significance for Cardiovascular phenotype. Last evaluated: 2025-07-21. Review status: criteria provided, single submitter. Criteria: Ambry Variant Classification Scheme 2023. Collection method: clinical testing. Allele origin: germline.
Comment: The p.G951R variant (also known as c.2851G>C), located in coding exon 8 of the HCN4 gene, results from a G to C substitution at nucleotide position 2851. The glycine at codon 951 is replaced by arginine, an amino acid with dissimilar properties. This amino acid position is conserved. In addition, this alteration is predicted to be tolerated by in silico analysis. Based on the available evidence, the clinical significance of this variant remains unclear.

NM_005477.3(HCN4):c.2851G>C (p.Gly951Arg)

Gene: HCN4 (hyperpolarization activated cyclic nucleotide gated potassium channel 4; minus strand). Cytogenetic location: 15q24.1.
Variant type: single nucleotide variant.
Coding change: c.2851G>C on transcript NM_005477.3 (MANE Select); coding-DNA position 2851, G replaced by C.
Protein change: p.Gly951Arg; replaces glycine 951 with arginine.
Molecular consequence: missense variant.
Genome position (GRCh38, 1-based): chr15:73,323,242, C>G on the plus strand (G>C on the coding strand, the complement: HCN4 is on the minus strand). VCF-style: chr15-73323242-C-G. GRCh37 (hg19) VCF-style: chr15-73615583-C-G.
Other names: c.2851G>C (NM_005477.2); short protein forms G951R.
Identifiers: ClinVar variation 2153105 (VCV002153105.5), dbSNP rs2042874764, ClinGen allele CA393087305.